The following is an entry in ClinVar:

ClinVar aggregate classification (germline): Uncertain significance. Review status: criteria provided, multiple submitters, no conflicts (2 of 4 stars). 3 submissions from 3 submitters: Uncertain significance (3). Last evaluated 2026-05-13.

Conditions:
SLC27A5-related disorder. Also called: SLC27A5-related condition.

Allele frequency attached by ClinVar (database versions not stated): gnomAD exomes 0.00002 and 0.00003; gnomAD 0.00006; ExAC 0.00007; ESP Exome Variant Server 0.00008; TOPMed 0.00008.

Submissions (3):

PreventionGenetics, part of Exact Sciences
Classification: Uncertain significance for SLC27A5-related condition. Last evaluated: 2026-05-13. Review status: criteria provided, single submitter. Criteria: ACMG Guidelines, 2015. Collection method: clinical testing. Allele origin: germline.
Comment: The SLC27A5 c.451C>T variant is predicted to result in the amino acid substitution p.Arg151Trp. To our knowledge, this variant has not been reported in the literature. This variant is reported in 0.010% of alleles in individuals of African descent in gnomAD. At this time, the clinical significance of this variant is uncertain due to the absence of conclusive functional and genetic evidence.

Mayo Clinic Laboratories, Mayo Clinic
Classification: Uncertain significance. Last evaluated: 2021-09-14. Review status: criteria provided, single submitter. Criteria: ACMG Guidelines, 2015. Collection method: clinical testing. Allele origin: germline.

Eurofins Ntd Llc (ga)
Classification: Uncertain significance. Last evaluated: 2016-11-07. Review status: criteria provided, single submitter. Criteria: EGL Classification Definitions 2015. Collection method: clinical testing. Allele origin: germline. Observed: 1 variant allele, 1 heterozygote.

NM_012254.3(SLC27A5):c.451C>T (p.Arg151Trp)

Gene: SLC27A5 (solute carrier family 27 member 5; minus strand). Cytogenetic location: 19q13.43.
Variant type: single nucleotide variant.
Coding change: c.451C>T on transcript NM_012254.3 (MANE Select); coding-DNA position 451, C replaced by T.
Protein change: p.Arg151Trp; replaces arginine 151 with tryptophan.
Molecular consequence: missense variant. On other transcripts: intron variant (1).
Genome position (GRCh38, 1-based): chr19:58,511,505, G>A on the plus strand (C>T on the coding strand, the complement: SLC27A5 is on the minus strand). VCF-style: chr19-58511505-G-A. GRCh37 (hg19) VCF-style: chr19-59022872-G-A.
Other names: p.Arg151Trp; c.451C>T (NM_012254.2); c.436+15C>T (NM_001321196.2); short protein forms R151W.
Identifiers: ClinVar variation 498426 (VCV000498426.9), dbSNP rs372683842, ClinGen allele CA9718280.